The following is an entry in ClinVar:

NM_006295.3(VARS1):c.2598T>G (p.Ser866=)

Gene: VARS1 (valyl-tRNA synthetase 1; minus strand). Cytogenetic location: 6p21.33.
Variant type: single nucleotide variant.
Coding change: c.2598T>G on transcript NM_006295.3 (MANE Select); coding-DNA position 2598, T replaced by G.
Protein change: p.Ser866=; no amino-acid change (serine 866 retained).
Molecular consequence: synonymous variant.
Genome position (GRCh38, 1-based): chr6:31,781,070, A>C on the plus strand (T>G on the coding strand, the complement: VARS1 is on the minus strand). VCF-style: chr6-31781070-A-C. GRCh37 (hg19) VCF-style: chr6-31748847-A-C.
Identifiers: ClinVar variation 3765707 (VCV003765707.1).
Genomic context (GRCh38, chr6:31,781,070, plus strand): 5'-CCAGCCCACCTGCAGGGAGATTCCATAGATGACGTCCAGGGGATCGATGACATTGCCTAG[A>C]GACTTGCTCATCTTCCGGCCGTGAGCATCTCGCACGATGGCATGGAGGTAGACCTGCAGA-3'
Protein context (NP_006286.1, residues 856-876): RDAHGRKMSK[Ser866=]LGNVIDPLDV

ClinVar aggregate classification (germline): Uncertain significance (1 of 4 stars; one submission).

Submission:

Greenwood Genetic Center Diagnostic Laboratories, Greenwood Genetic Center
Classification: Uncertain significance. Last evaluated: 2024-10-15. Review status: criteria provided, single submitter. Criteria: ACMG Guidelines, 2015. Collection method: clinical testing. Allele origin: germline. Affected: yes.
Comment: PM2, BP4